The following is an entry in ClinVar:

ClinVar aggregate classification (germline): Uncertain significance. Review status: criteria provided, multiple submitters, no conflicts (2 of 4 stars). 2 submissions from 2 submitters: Uncertain significance (2). Last evaluated 2024-11-11.

Conditions:
Nemaline myopathy 8 (NEM8). Also called: Nemaline myopathy 8, autosomal recessive. Identifiers: Orphanet 171430, MedGen C3809209, MONDO:0014138, OMIM 615348.

Allele frequency attached by ClinVar (database versions not stated): TOPMed 0.00008; ESP Exome Variant Server 0.00015; 1000 Genomes Project 0.00020; gnomAD 0.00022; 1000 Genomes Project 30x 0.00031.
gnomAD v4.1: 274 of 1,612,560 alleles (0.017%); highest among the groups gnomAD compares: South Asian, 0.14%; 1 homozygote.

Submissions (2):

GeneDx
Classification: Uncertain significance. Last evaluated: 2024-11-11. Review status: criteria provided, single submitter. Criteria: GeneDx Variant Classification Process June 2021. Collection method: clinical testing. Allele origin: germline. Affected: yes.
Comment: In silico analysis indicates that this missense variant does not alter protein structure/function; Has not been previously published as pathogenic or benign to our knowledge

Labcorp Genetics (formerly Invitae), Labcorp
Classification: Uncertain significance for Nemaline myopathy 8. Last evaluated: 2022-07-18. Review status: criteria provided, single submitter. Criteria: Invitae Variant Classification Sherloc (09022015). Collection method: clinical testing. Allele origin: germline.
Comment: This sequence change replaces proline, which is neutral and non-polar, with arginine, which is basic and polar, at codon 66 of the KLHL40 protein (p.Pro66Arg). This variant is present in population databases (rs200810691, gnomAD 0.1%). This variant has not been reported in the literature in individuals affected with KLHL40-related conditions. ClinVar contains an entry for this variant (Variation ID: 541332). Algorithms developed to predict the effect of missense changes on protein structure and function are either unavailable or do not agree on the potential impact of this missense change (SIFT: "Deleterious"; PolyPhen-2: "Benign"; Align-GVGD: "Class C0"). In summary, the available evidence is currently insufficient to determine the role of this variant in disease. Therefore, it has been classified as a Variant of Uncertain Significance.

NM_152393.4(KLHL40):c.197C>G (p.Pro66Arg)

Gene: KLHL40 (kelch like family member 40; plus strand). Cytogenetic location: 3p22.1.
Variant type: single nucleotide variant.
Coding change: c.197C>G on transcript NM_152393.4 (MANE Select); coding-DNA position 197, C replaced by G.
Protein change: p.Pro66Arg; replaces proline 66 with arginine.
Molecular consequence: missense variant.
Genome position (GRCh38, 1-based): chr3:42,685,815, C>G. VCF-style: chr3-42685815-C-G. GRCh37 (hg19) VCF-style: chr3-42727307-C-G.
Other names: short protein forms P66R.
Identifiers: ClinVar variation 541332 (VCV000541332.9), dbSNP rs200810691, ClinGen allele CA2336591.